The following is an entry in ClinVar:

NM_053025.4(MYLK):c.3915C>T (p.Cys1305=)

Gene: MYLK (myosin light chain kinase; minus strand). Cytogenetic location: 3q21.1.
Variant type: single nucleotide variant.
Coding change: c.3915C>T on transcript NM_053025.4 (MANE Select); coding-DNA position 3915, C replaced by T.
Protein change: p.Cys1305=; no amino-acid change (cysteine 1305 retained).
Molecular consequence: synonymous variant.
Genome position (GRCh38, 1-based): chr3:123,664,175, G>A on the plus strand (C>T on the coding strand, the complement: MYLK is on the minus strand). VCF-style: chr3-123664175-G-A. GRCh37 (hg19) VCF-style: chr3-123383022-G-A.
Other names: c.3387C>T, p.Cys1129= (NM_001321309.2); c.3708C>T, p.Cys1236= (NM_053026.4, NM_053028.4); c.3915C>T, p.Cys1305= (NM_053027.4).
Identifiers: ClinVar variation 342878 (VCV000342878.63), dbSNP rs371602931, ClinGen allele CA070468.

ClinVar aggregate classification (germline): Conflicting classifications of pathogenicity. Review status: criteria provided, conflicting classifications (1 of 4 stars). 10 submissions from 10 submitters: Uncertain significance (1); Benign (1); Likely benign (8). Last evaluated 2026-03-27.

Conditions:
Familial thoracic aortic aneurysm and aortic dissection (TAAD). Also called: Thoracic aortic aneurysms and dissections. Identifiers: Orphanet 91387, MedGen C4707243, MONDO:0019625.
Aortic aneurysm, familial thoracic 7 (AAT7). Also called: AORTIC DISSECTION, FAMILIAL, WITH OR WITHOUT AORTIC ANEURYSM. Identifiers: MedGen C3151077, MONDO:0013418, OMIM 613780.

Allele frequency attached by ClinVar (database versions not stated): ESP Exome Variant Server 0.00008; gnomAD 0.00014; 1000 Genomes Project 30x 0.00016; gnomAD exomes 0.00018 and 0.00030; ExAC 0.00019; TOPMed 0.00019; 1000 Genomes Project 0.00020.
gnomAD v4.1: 462 of 1,614,142 alleles (0.029%); highest among the groups gnomAD compares: Non-Finnish European, 0.034%; 1 homozygote.

Submissions (10):

Molecular Diagnostic Laboratory for Inherited Cardiovascular Disease, Montreal Heart Institute
Classification: Likely benign. Last evaluated: 2026-03-27. Review status: criteria provided, single submitter. Criteria: ACMG Guidelines, 2015. Collection method: clinical testing. Allele origin: germline. Affected: no.

Labcorp Genetics (formerly Invitae), Labcorp
Classification: Likely benign for Aortic aneurysm, familial thoracic 7. Last evaluated: 2026-01-16. Review status: criteria provided, single submitter. Criteria: Invitae Variant Classification Sherloc (09022015). Collection method: clinical testing. Allele origin: germline.

CeGaT Center for Human Genetics Tuebingen
Classification: Likely benign. Last evaluated: 2025-04-01. Review status: criteria provided, single submitter. Criteria: CeGaT Center For Human Genetics Tuebingen Variant Classification Criteria Version 2. Collection method: clinical testing. Allele origin: germline. Affected: yes. Observed: 2 variant alleles.
Comment: MYLK: BP4, BP7

ARUP Laboratories, Molecular Genetics and Genomics, ARUP Laboratories
Classification: Likely benign. Last evaluated: 2024-12-31. Review status: criteria provided, single submitter. Criteria: ARUP Molecular Germline Variant Investigation Process 2024. Collection method: clinical testing. Allele origin: germline.

Blueprint Genetics
Classification: Likely benign. Last evaluated: 2024-03-14. Review status: criteria provided, single submitter. Criteria: ACMG Guidelines, 2015. Collection method: clinical testing. Allele origin: germline.

Women's Health and Genetics/Laboratory Corporation of America, LabCorp
Classification: Benign. Last evaluated: 2023-05-08. Review status: criteria provided, single submitter. Criteria: LabCorp Variant Classification Summary - May 2015. Collection method: clinical testing. Allele origin: germline.

Ambry Genetics
Classification: Likely benign for Familial thoracic aortic aneurysm and aortic dissection. Last evaluated: 2022-02-11. Review status: criteria provided, single submitter. Criteria: Ambry Variant Classification Scheme 2023. Collection method: clinical testing. Allele origin: germline.

GeneDx
Classification: Likely benign. Last evaluated: 2021-05-28. Review status: criteria provided, single submitter. Criteria: GeneDx Variant Classification Process June 2021. Collection method: clinical testing. Allele origin: germline. Affected: yes.

CHEO Genetics Diagnostic Laboratory, Children's Hospital of Eastern Ontario
Classification: Likely benign for Familial thoracic aortic aneurysm and aortic dissection. Last evaluated: 2019-11-20. Review status: criteria provided, single submitter. Criteria: ACMG Guidelines, 2015. Collection method: clinical testing. Allele origin: germline.

Illumina Laboratory Services, Illumina
Classification: Uncertain significance for Aortic aneurysm, familial thoracic 7. Last evaluated: 2018-01-12. Review status: criteria provided, single submitter. Criteria: ICSL Variant Classification Criteria 13 December 2019. Collection method: clinical testing. Allele origin: germline.